The following is an entry in ClinVar:

ClinVar aggregate classification (germline): Uncertain significance (1 of 4 stars; one submission).

Conditions:
MOGS-congenital disorder of glycosylation. Also called: MOGS-CDG; CDG IIb; GLUCOSIDASE I DEFICIENCY; CDG 2B. Identifiers: Orphanet 79330, MedGen C1853736, MONDO:0011629, OMIM 606056.

Allele frequency attached by ClinVar (database versions not stated): TOPMed below 0.00001; gnomAD exomes 0.00001.
gnomAD v4.1: 17 of 1,614,054 alleles (0.0011%); highest among the groups gnomAD compares: Non-Finnish European, 0.0014%; no homozygotes.

Submission:

Labcorp Genetics (formerly Invitae), Labcorp
Classification: Uncertain significance for MOGS-congenital disorder of glycosylation. Last evaluated: 2021-09-02. Review status: criteria provided, single submitter. Criteria: Invitae Variant Classification Sherloc (09022015). Collection method: clinical testing. Allele origin: germline.
Comment: This sequence change replaces serine with arginine at codon 639 of the MOGS protein (p.Ser639Arg). The serine residue is moderately conserved and there is a moderate physicochemical difference between serine and arginine. This variant is not present in population databases (ExAC no frequency). This variant has not been reported in the literature in individuals affected with MOGS-related conditions. Algorithms developed to predict the effect of missense changes on protein structure and function (SIFT, PolyPhen-2, Align-GVGD) all suggest that this variant is likely to be tolerated. In summary, the available evidence is currently insufficient to determine the role of this variant in disease. Therefore, it has been classified as a Variant of Uncertain Significance.

NM_006302.3(MOGS):c.1915A>C (p.Ser639Arg)

Gene: MOGS (mannosyl-oligosaccharide glucosidase; minus strand). Cytogenetic location: 2p13.1.
Variant type: single nucleotide variant.
Coding change: c.1915A>C on transcript NM_006302.3 (MANE Select); coding-DNA position 1915, A replaced by C.
Protein change: p.Ser639Arg; replaces serine 639 with arginine.
Molecular consequence: missense variant.
Genome position (GRCh38, 1-based): chr2:74,461,874, T>G on the plus strand (A>C on the coding strand, the complement: MOGS is on the minus strand). VCF-style: chr2-74461874-T-G. GRCh37 (hg19) VCF-style: chr2-74689001-T-G.
Other names: c.1597A>C, p.Ser533Arg (NM_001146158.2); short protein forms S639R, S533R.
Identifiers: ClinVar variation 1447099 (VCV001447099.5), dbSNP rs1197857012, ClinGen allele CA347369628.